The following is an entry in ClinVar:

ClinVar aggregate classification (germline): Uncertain significance (0 of 4 stars; one submission).

Conditions:
CRKL-related disorder. Also called: CRKL-related condition.

Submission:

PreventionGenetics, part of Exact Sciences
Classification: Uncertain significance for CRKL-related condition. Last evaluated: 2024-06-26. Review status: no assertion criteria provided. Collection method: clinical testing. Allele origin: germline.
Comment: The CRKL c.353T>G variant is predicted to result in the amino acid substitution p.Leu118Arg. To our knowledge, this variant has not been reported in the literature or in a large population database, indicating this variant is rare. At this time, the clinical significance of this variant is uncertain due to the absence of conclusive functional and genetic evidence.

NM_005207.4(CRKL):c.353T>G (p.Leu118Arg)

Gene: CRKL (CRK like proto-oncogene, adaptor protein; plus strand). Cytogenetic location: 22q11.21.
Variant type: single nucleotide variant.
Coding change: c.353T>G on transcript NM_005207.4 (MANE Select); coding-DNA position 353, T replaced by G.
Protein change: p.Leu118Arg; replaces leucine 118 with arginine.
Molecular consequence: missense variant. On other transcripts: non-coding transcript variant (1).
Genome position (GRCh38, 1-based): chr22:20,933,820, T>G. VCF-style: chr22-20933820-T-G. GRCh37 (hg19) VCF-style: chr22-21288108-T-G.
Other names: short protein forms L118R.
Identifiers: ClinVar variation 3350302 (VCV003350302.1).